The following is an entry in ClinVar:

ClinVar aggregate classification (germline): Uncertain significance (1 of 4 stars; one submission).

gnomAD v4.1: 4 of 1,614,026 alleles (0.00025%); highest among the groups gnomAD compares: East Asian, 0.0089%; no homozygotes.

Submission:

Labcorp Genetics (formerly Invitae), Labcorp
Classification: Uncertain significance. Last evaluated: 2024-05-14. Review status: criteria provided, single submitter. Criteria: Invitae Variant Classification Sherloc (09022015). Collection method: clinical testing. Allele origin: germline.
Comment: This sequence change affects an acceptor splice site in intron 3 of the TUBA8 gene. It is expected to disrupt RNA splicing. Variants that disrupt the donor or acceptor splice site typically lead to a loss of protein function (PMID: 16199547), however the current clinical and genetic evidence is not sufficient to establish whether loss-of-function variants in TUBA8 cause disease. This variant is not present in population databases (gnomAD no frequency). This variant has not been reported in the literature in individuals affected with TUBA8-related conditions. Algorithms developed to predict the effect of sequence changes on RNA splicing suggest that this variant may disrupt the consensus splice site. In summary, the available evidence is currently insufficient to determine the role of this variant in disease. Therefore, it has been classified as a Variant of Uncertain Significance.

Literature cited by the submitters: PubMed 16199547.

NM_018943.3(TUBA8):c.376-2A>G

Gene: TUBA8 (tubulin alpha 8; plus strand). Cytogenetic location: 22q11.21.
Variant type: single nucleotide variant.
Coding change: c.376-2A>G on transcript NM_018943.3 (MANE Select); the canonical splice acceptor site of the intron before coding-DNA position 376, A replaced by G.
Molecular consequence: splice acceptor variant.
Genome position (GRCh38, 1-based): chr22:18,126,352, A>G. VCF-style: chr22-18126352-A-G. GRCh37 (hg19) VCF-style: chr22-18609119-A-G.
Other names: c.178-2A>G (NM_001193414.2).
Identifiers: ClinVar variation 3685533 (VCV003685533.2).
Genomic context (GRCh38, chr22:18,126,352, plus strand): 5'-TACTGTGGGGTGTTCTCGGAAACTTGTCTTCATGATTTCTTCTCATGTCCTGCTCTCCCT[A>G]GACAGATGCTTGCTCTGGCCTGCAGGGCTTCCTGATTTTCCACAGTTTTGGTGGGGGCAC-3'